The following is an entry in ClinVar:

NM_001267550.2(TTN):c.20276-282T>G

Gene: TTN (titin; minus strand). Cytogenetic location: 2q31.2.
Variant type: single nucleotide variant.
Coding change: c.20276-282T>G on transcript NM_001267550.2 (MANE Select); 282 bases into the intron before coding-DNA position 20276, T replaced by G.
Molecular consequence: intron variant.
Genome position (GRCh38, 1-based): chr2:178,726,328, A>C on the plus strand (T>G on the coding strand, the complement: TTN is on the minus strand). VCF-style: chr2-178726328-A-C. GRCh37 (hg19) VCF-style: chr2-179591055-A-C.
Other names: c.13282+11754T>G (NM_003319.4); c.13858+11754T>G (NM_133437.4); c.13657+11754T>G (NM_133432.3); c.16544-282T>G (NM_133378.4); c.19325-282T>G (NM_001256850.1).
Identifiers: ClinVar variation 680846 (VCV000680846.2), dbSNP rs2129110, ClinGen allele CA11167862.

ClinVar aggregate classification (germline): Benign. Review status: criteria provided, multiple submitters, no conflicts (2 of 4 stars). 2 submissions from 2 submitters: Benign (2). Last evaluated 2018-06-14.

Allele frequency attached by ClinVar (database versions not stated): gnomAD 0.11390 and 0.12009; TOPMed 0.12566; gnomAD exomes 0.16599; 1000 Genomes Project 30x 0.17739; 1000 Genomes Project 0.18470.
gnomAD v4.1: 38,547 of 272,688 alleles (14%); highest among the groups gnomAD compares: East Asian, 44%; 3,924 homozygotes.

Submissions (2):

GeneDx
Classification: Benign. Last evaluated: 2018-06-14. Review status: criteria provided, single submitter. Criteria: GeneDx Variant Classification (06012015). Collection method: clinical testing. Allele origin: germline. Affected: yes.
Comment: This variant is considered likely benign or benign based on one or more of the following criteria: it is a conservative change, it occurs at a poorly conserved position in the protein, it is predicted to be benign by multiple in silico algorithms, and/or has population frequency not consistent with disease.

Breakthrough Genomics
Classification: Benign. Review status: criteria provided, single submitter. Criteria: ACMG Guidelines, 2015. Collection method: not provided. Allele origin: germline. Inheritance: Autosomal recessive inheritance. Affected: yes.